The following is an entry in ClinVar:

NM_003072.5(SMARCA4):c.652C>G (p.Pro218Ala)

Gene: SMARCA4 (SWI/SNF related BAF chromatin remodeling complex subunit ATPase 4; plus strand). Cytogenetic location: 19p13.2.
Variant type: single nucleotide variant.
Coding change: c.652C>G on transcript NM_003072.5 (MANE Select); coding-DNA position 652, C replaced by G.
Protein change: p.Pro218Ala; replaces proline 218 with alanine.
Molecular consequence: missense variant. On other transcripts: non-coding transcript variant (1).
Genome position (GRCh38, 1-based): chr19:10,986,485, C>G. VCF-style: chr19-10986485-C-G. GRCh37 (hg19) VCF-style: chr19-11097161-C-G.
Other names: c.652C>G, p.Pro218Ala (NM_001128844.3, NM_001128845.2, NM_001128846.2 and 4 more transcripts); short protein forms P218A.
Identifiers: ClinVar variation 863525 (VCV000863525.13), dbSNP rs1220576417, ClinGen allele CA404056816.

ClinVar aggregate classification (germline): Uncertain significance. Review status: criteria provided, multiple submitters, no conflicts (2 of 4 stars). 3 submissions from 3 submitters: Uncertain significance (3). Last evaluated 2025-01-12.

Conditions:
Hereditary cancer-predisposing syndrome. Also called: Hereditary Cancer Syndrome; Tumor predisposition; Neoplastic Syndromes, Hereditary; Hereditary neoplastic syndrome. Identifiers: Orphanet 140162, MedGen C0027672, MeSH D009386, MONDO:0015356.
Rhabdoid tumor predisposition syndrome 2 (RTPS2). Identifiers: Orphanet 231108, Orphanet 69077, MedGen C2750074, MONDO:0013224, OMIM 613325.

Allele frequency attached by ClinVar (database versions not stated): TOPMed below 0.00001.
gnomAD v4.1: 3 of 1,551,216 alleles (0.00019%); highest among the groups gnomAD compares: Non-Finnish European, 0.00017%; no homozygotes.

Submissions (3):

Labcorp Genetics (formerly Invitae), Labcorp
Classification: Uncertain significance for Rhabdoid tumor predisposition syndrome 2. Last evaluated: 2025-01-12. Review status: criteria provided, single submitter. Criteria: Invitae Variant Classification Sherloc (09022015). Collection method: clinical testing. Allele origin: germline.
Comment: This sequence change replaces proline, which is neutral and non-polar, with alanine, which is neutral and non-polar, at codon 218 of the SMARCA4 protein (p.Pro218Ala). This variant is not present in population databases (gnomAD no frequency). This variant has not been reported in the literature in individuals affected with SMARCA4-related conditions. ClinVar contains an entry for this variant (Variation ID: 863525). Invitae Evidence Modeling of protein sequence and biophysical properties (such as structural, functional, and spatial information, amino acid conservation, physicochemical variation, residue mobility, and thermodynamic stability) has been performed for this missense variant. However, the output from this modeling did not meet the statistical confidence thresholds required to predict the impact of this variant on SMARCA4 protein function. In summary, the available evidence is currently insufficient to determine the role of this variant in disease. Therefore, it has been classified as a Variant of Uncertain Significance.

Ambry Genetics
Classification: Uncertain significance for Hereditary cancer-predisposing syndrome. Last evaluated: 2024-08-09. Review status: criteria provided, single submitter. Criteria: Ambry Variant Classification Scheme 2023. Collection method: clinical testing. Allele origin: germline.
Comment: The p.P218A variant (also known as c.652C>G), located in coding exon 3 of the SMARCA4 gene, results from a C to G substitution at nucleotide position 652. The proline at codon 218 is replaced by alanine, an amino acid with highly similar properties. This amino acid position is highly conserved in available vertebrate species. In addition, this alteration is predicted to be tolerated by in silico analysis. Missense and in-frame variants in SMARCA4 are known to cause neurodevelopmental disorders; however, such associations with rhabdoid tumor predisposition syndrome including small cell carcinoma of the ovary-hypercalcemic type (SCCOHT) are exceedingly rare (Kosho T et al. Am J Med Genet C Semin Med Genet. 2014 Sep;166C(3):262-75; Jelinic P et al. Nat Genet. 2014 May;46(5):424-6). Based on the supporting evidence, the association of this alteration with Coffin-Siris syndrome is unknown; however, the association of this alteration with rhabdoid tumor predisposition syndrome is unlikely.

GeneDx
Classification: Uncertain significance. Last evaluated: 2022-08-24. Review status: criteria provided, single submitter. Criteria: GeneDx Variant Classification Process June 2021. Collection method: clinical testing. Allele origin: germline. Affected: yes.
Comment: Not observed at significant frequency in large population cohorts (gnomAD); In silico analysis supports that this missense variant does not alter protein structure/function; Has not been previously published as pathogenic or benign to our knowledge